The following is an entry in ClinVar:

NM_000363.5(TNNI3):c.550G>C (p.Glu184Gln)

Gene: TNNI3 (troponin I3, cardiac type; minus strand). Cytogenetic location: 19q13.42.
Variant type: single nucleotide variant.
Coding change: c.550G>C on transcript NM_000363.5 (MANE Select); coding-DNA position 550, G replaced by C.
Protein change: p.Glu184Gln; replaces glutamic acid 184 with glutamine.
Molecular consequence: missense variant.
Genome position (GRCh38, 1-based): chr19:55,151,917, C>G on the plus strand (G>C on the coding strand, the complement: TNNI3 is on the minus strand). VCF-style: chr19-55151917-C-G. GRCh37 (hg19) VCF-style: chr19-55663285-C-G.
Other names: short protein forms E184Q.
Identifiers: ClinVar variation 936081 (VCV000936081.9), dbSNP rs397516356, ClinGen allele CA407439699.

ClinVar aggregate classification (germline): Uncertain significance (1 of 4 stars; one submission).

Conditions:
Hypertrophic cardiomyopathy. Also called: HYPERTROPHIC MYOCARDIOPATHY. Identifiers: Orphanet 217569, MedGen C0007194, MeSH D002312, MONDO:0005045, HP:0001639.

Submission:

Labcorp Genetics (formerly Invitae), Labcorp
Classification: Uncertain significance for Hypertrophic cardiomyopathy. Last evaluated: 2025-04-26. Review status: criteria provided, single submitter. Criteria: Invitae Variant Classification Sherloc (09022015). Collection method: clinical testing. Allele origin: germline.
Comment: This sequence change replaces glutamic acid, which is acidic and polar, with glutamine, which is neutral and polar, at codon 184 of the TNNI3 protein (p.Glu184Gln). This variant is not present in population databases (gnomAD no frequency). This missense change has been observed in individual(s) with clinical features of dilated cardiomyopathy (internal data). ClinVar contains an entry for this variant (Variation ID: 936081). An algorithm developed to predict the effect of missense changes on protein structure and function (PolyPhen-2) suggests that this variant is likely to be tolerated. Algorithms developed to predict the effect of sequence changes on RNA splicing suggest that this variant may disrupt the consensus splice site. In summary, the available evidence is currently insufficient to determine the role of this variant in disease. Therefore, it has been classified as a Variant of Uncertain Significance.